The following is an entry in ClinVar:

ClinVar aggregate classification (germline): Benign. Review status: criteria provided, multiple submitters, no conflicts (2 of 4 stars). 12 submissions from 12 submitters: Benign (9). 3 of the submissions do not count toward it. Last evaluated 2026-02-04.

Conditions:
Pontoneocerebellar hypoplasia. Also called: Pontocerebellar hypoplasia; Non-syndromic pontocerebellar hypoplasia. Identifiers: Orphanet 98523, MedGen C1261175, MONDO:0020135.
Pontocerebellar hypoplasia type 4 (PCH4). Also called: Pontocerebellar Hypoplasia Type 4 (PCH4). Identifiers: Orphanet 166063, MedGen C1856974, MONDO:0009166, OMIM 225753.

Allele frequency attached by ClinVar (database versions not stated): ExAC 0.13705; ESP Exome Variant Server 0.13948; 1000 Genomes Project 0.16314; TOPMed 0.19246; gnomAD exomes 0.12064 and 0.13348; gnomAD 0.18681 and 0.19277; 1000 Genomes Project 30x 0.16911.

Submissions (12):

Labcorp Genetics (formerly Invitae), Labcorp
Classification: Benign. Last evaluated: 2026-02-04. Review status: criteria provided, single submitter. Criteria: Invitae Variant Classification Sherloc (09022015). Collection method: clinical testing. Allele origin: germline.

Mendelics
Classification: Benign for Pontocerebellar hypoplasia type 4. Last evaluated: 2019-05-28. Review status: criteria provided, single submitter. Criteria: Mendelics Assertion Criteria 2017. Collection method: clinical testing. Allele origin: unknown.

Illumina Laboratory Services, Illumina
Classification: Benign for Pontoneocerebellar hypoplasia. Last evaluated: 2018-01-12. Review status: criteria provided, single submitter. Criteria: ICSL Variant Classification Criteria 13 December 2019. Collection method: clinical testing. Allele origin: germline.
Comment: This variant was observed in the ICSL laboratory as part of a predisposition screen in an ostensibly healthy population. It had not been previously curated by ICSL or reported in the Human Gene Mutation Database (HGMD: prior to June 1st, 2018), and was therefore a candidate for classification through an automated scoring system. Utilizing variant allele frequency, disease prevalence and penetrance estimates, and inheritance mode, an automated score was calculated to assess if this variant is too frequent to cause the disease. Based on the score and internal cut-off values, a variant classified as benign is not then subjected to further curation. The score for this variant resulted in a classification of benign for this disease.

Athena Diagnostics
Classification: Benign. Last evaluated: 2017-04-20. Review status: criteria provided, single submitter. Criteria: Athena Diagnostics Criteria. Collection method: clinical testing. Allele origin: germline.

Eurofins Ntd Llc (ga)
Classification: Benign. Last evaluated: 2014-05-07. Review status: criteria provided, single submitter. Criteria: EGL Classification Definitions 2015. Collection method: clinical testing. Allele origin: germline. Observed: 11 variant alleles, 9 heterozygotes, 2 homozygotes.

GeneDx
Classification: Benign. Last evaluated: 2013-10-31. Review status: criteria provided, single submitter. Criteria: GeneDx Variant Classification (06012015). Collection method: clinical testing. Allele origin: germline. Affected: yes.
Comment: This variant is considered likely benign or benign based on one or more of the following criteria: it is a conservative change, it occurs at a poorly conserved position in the protein, it is predicted to be benign by multiple in silico algorithms, and/or has population frequency not consistent with disease.

Genetic Services Laboratory, University of Chicago
Classification: Benign. Last evaluated: 2013-02-08. Review status: criteria provided, single submitter. Criteria: ACMG Guidelines, 2007. Collection method: clinical testing. Allele origin: germline. Inheritance: Autosomal recessive inheritance.

Breakthrough Genomics
Classification: Benign. Review status: criteria provided, single submitter. Criteria: ACMG Guidelines, 2015. Collection method: not provided. Allele origin: germline. Inheritance: Autosomal recessive inheritance. Affected: yes.

PreventionGenetics, part of Exact Sciences
Classification: Benign. Review status: criteria provided, single submitter. Criteria: ACMG Guidelines, 2015. Collection method: clinical testing. Allele origin: germline.

Clinical Genetics DNA and cytogenetics Diagnostics Lab, Erasmus MC, Erasmus Medical Center
Classification: Benign. Review status: no assertion criteria provided. Collection method: clinical testing. Allele origin: germline. Affected: yes. Study: VKGL Data-share Consensus. Not counted in ClinVar's aggregate classification.

Clinical Genetics, Academic Medical Center
Classification: Benign. Review status: no assertion criteria provided. Collection method: clinical testing. Allele origin: germline. Affected: yes. Study: VKGL Data-share Consensus. Not counted in ClinVar's aggregate classification.

Diagnostic Laboratory, Department of Genetics, University Medical Center Groningen
Classification: Benign. Review status: no assertion criteria provided. Collection method: clinical testing. Allele origin: germline. Affected: yes. Study: VKGL Data-share Consensus. Not counted in ClinVar's aggregate classification.

NM_207346.3(TSEN54):c.114T>G (p.His38Gln)

Gene: TSEN54 (tRNA splicing endonuclease subunit 54; plus strand). Cytogenetic location: 17q25.1.
Variant type: single nucleotide variant.
Coding change: c.114T>G on transcript NM_207346.3 (MANE Select); coding-DNA position 114, T replaced by G.
Protein change: p.His38Gln; replaces histidine 38 with glutamine.
Molecular consequence: missense variant.
Genome position (GRCh38, 1-based): chr17:75,516,803, T>G. VCF-style: chr17-75516803-T-G. GRCh37 (hg19) VCF-style: chr17-73512884-T-G.
Other names: p.H38Q:CAT>CAG; short protein forms H38Q.
Identifiers: ClinVar variation 96671 (VCV000096671.29), dbSNP rs8079373, ClinGen allele CA149656.
Genomic context (GRCh38, chr17:75,516,803, plus strand): 5'-CAGCGCCCGGGAGCTCTTCGCCGCCCGCTCGCGGTCGCAGAAGCTGCCCCAGCGCTCGCA[T>G]GGCCCCAAGGACTTTCTGCCCGACGGCTCGGCAGCTCAGGCCGAGCGGCTGCGCCGGTGC-3'
Protein context (NP_997229.2, residues 28-48): SRSQKLPQRS[His38Gln]GPKDFLPDGS